The following is an entry in ClinVar:

NM_001369.3(DNAH5):c.8184T>G (p.Asn2728Lys)

Gene: DNAH5 (dynein axonemal heavy chain 5; minus strand). Cytogenetic location: 5p15.2.
Variant type: single nucleotide variant.
Coding change: c.8184T>G on transcript NM_001369.3 (MANE Select); coding-DNA position 8184, T replaced by G.
Protein change: p.Asn2728Lys; replaces asparagine 2728 with lysine.
Molecular consequence: missense variant.
Genome position (GRCh38, 1-based): chr5:13,793,555, A>C on the plus strand (T>G on the coding strand, the complement: DNAH5 is on the minus strand). VCF-style: chr5-13793555-A-C. GRCh37 (hg19) VCF-style: chr5-13793664-A-C.
Other names: short protein forms N2728K.
Identifiers: ClinVar variation 970267 (VCV000970267.12), dbSNP rs1469012975, ClinGen allele CA359221063.

ClinVar aggregate classification (germline): Conflicting classifications of pathogenicity. Review status: criteria provided, conflicting classifications (1 of 4 stars). 4 submissions from 4 submitters: Uncertain significance (2); Likely benign (1). 1 of the submissions does not count toward it. Last evaluated 2025-12-28.

Conditions:
Primary ciliary dyskinesia. Also called: Ciliary dyskinesia. Identifiers: Orphanet 244, MedGen C0008780, MONDO:0016575, HP:0012265.

Allele frequency attached by ClinVar (database versions not stated): gnomAD exomes 0.00004 and 0.00001; gnomAD 0.00002; TOPMed 0.00002.
gnomAD v4.1: 61 of 1,613,970 alleles (0.0038%); highest among the groups gnomAD compares: Non-Finnish European, 0.0047%; no homozygotes.

Submissions (4):

Labcorp Genetics (formerly Invitae), Labcorp
Classification: Likely benign for Primary ciliary dyskinesia. Last evaluated: 2025-12-28. Review status: criteria provided, single submitter. Criteria: Invitae Variant Classification Sherloc (09022015). Collection method: clinical testing. Allele origin: germline.

GeneDx
Classification: Uncertain significance. Last evaluated: 2024-07-22. Review status: criteria provided, single submitter. Criteria: GeneDx Variant Classification Process June 2021. Collection method: clinical testing. Allele origin: germline. Affected: yes.
Comment: In silico analysis supports that this missense variant has a deleterious effect on protein structure/function; Has not been previously published as pathogenic or benign to our knowledge

Ambry Genetics
Classification: Uncertain significance for Primary ciliary dyskinesia. Last evaluated: 2024-05-15. Review status: criteria provided, single submitter. Criteria: Ambry Variant Classification Scheme 2023. Collection method: clinical testing. Allele origin: germline.

Natera, Inc.
Classification: Uncertain significance for Primary ciliary dyskinesia. Last evaluated: 2020-01-02. Review status: no assertion criteria provided. Collection method: clinical testing. Allele origin: germline. Not counted in ClinVar's aggregate classification.